The following is an entry in ClinVar:

NM_004134.7(HSPA9):c.1516-7A>C

Gene: HSPA9 (heat shock protein family A (Hsp70) member 9; minus strand). Cytogenetic location: 5q31.2.
Variant type: single nucleotide variant.
Coding change: c.1516-7A>C on transcript NM_004134.7 (MANE Select); 7 bases into the intron before coding-DNA position 1516, A replaced by C.
Molecular consequence: intron variant.
Genome position (GRCh38, 1-based): chr5:138,557,993, T>G on the plus strand (A>C on the coding strand, the complement: HSPA9 is on the minus strand). VCF-style: chr5-138557993-T-G. GRCh37 (hg19) VCF-style: chr5-137893682-T-G.
Identifiers: ClinVar variation 3044937 (VCV003044937.2), dbSNP rs1750566588, ClinGen allele CA2740094084.

ClinVar aggregate classification (germline): Likely benign (0 of 4 stars; one submission).

Conditions:
HSPA9-related disorder. Also called: HSPA9-related condition.

Submission:

PreventionGenetics, part of Exact Sciences
Classification: Likely benign for HSPA9-related condition. Last evaluated: 2019-05-24. Review status: no assertion criteria provided. Collection method: clinical testing. Allele origin: germline.
Comment: This variant is classified as likely benign based on ACMG/AMP sequence variant interpretation guidelines (Richards et al. 2015 PMID: 25741868, with internal and published modifications).